The following is an entry in ClinVar:

ClinVar aggregate classification (germline): Uncertain significance. Review status: criteria provided, multiple submitters, no conflicts (2 of 4 stars). 5 submissions from 5 submitters: Uncertain significance (5). Last evaluated 2025-10-27.

Conditions:
Familial thoracic aortic aneurysm and aortic dissection (TAAD). Also called: Thoracic aortic aneurysms and dissections. Identifiers: Orphanet 91387, MedGen C4707243, MONDO:0019625.
Ehlers-Danlos syndrome, type 4 (EDSVASC). Also called: Ehlers-Danlos Syndrome Type IV; Ehlers-Danlos syndrome vascular type; Ehlers Danlos syndrome, ecchymotic type; Ehlers Danlos syndrome, arterial type; Ehlers Danlos syndrome, Sack-Barabas type. Identifiers: Orphanet 286, MedGen C0268338, MONDO:0017314, OMIM 130050.

Allele frequency attached by ClinVar (database versions not stated): ExAC 0.00002.
gnomAD v4.1: 19 of 1,613,614 alleles (0.0012%); highest among the groups gnomAD compares: Non-Finnish European, 0.0016%; no homozygotes.

Submissions (5):

Labcorp Genetics (formerly Invitae), Labcorp
Classification: Uncertain significance for Ehlers-Danlos syndrome, type 4. Last evaluated: 2025-10-27. Review status: criteria provided, single submitter. Criteria: Invitae Variant Classification Sherloc (09022015). Collection method: clinical testing. Allele origin: germline.
Comment: This sequence change replaces proline, which is neutral and non-polar, with serine, which is neutral and polar, at codon 634 of the COL3A1 protein (p.Pro634Ser). This variant is present in population databases (rs762129273, gnomAD 0.002%). This variant has not been reported in the literature in individuals affected with COL3A1-related conditions. ClinVar contains an entry for this variant (Variation ID: 923776). Invitae Evidence Modeling of protein sequence and biophysical properties (such as structural, functional, and spatial information, amino acid conservation, physicochemical variation, residue mobility, and thermodynamic stability) indicates that this missense variant is not expected to disrupt COL3A1 protein function with a negative predictive value of 95%. In summary, the available evidence is currently insufficient to determine the role of this variant in disease. Therefore, it has been classified as a Variant of Uncertain Significance.

All of Us Research Program, National Institutes of Health
Classification: Uncertain significance for Ehlers-Danlos syndrome, type 4. Last evaluated: 2024-09-23. Review status: criteria provided, single submitter. Criteria: ACMG Guidelines, 2015. Collection method: clinical testing. Allele origin: germline. Inheritance: Autosomal dominant inheritance. Observed: 6 variant alleles, 6 heterozygotes.
Comment: This missense variant replaces proline with serine at codon 634 of the COL3A1 protein. Computational prediction suggests that this variant may not impact protein structure and function (internally defined REVEL score threshold <= 0.5, PMID: 27666373). Splice site prediction tools suggest that this variant may not impact RNA splicing. To our knowledge, functional studies have not been reported for this variant. This variant has not been reported in individuals affected with cardiovascular disorders in the literature. This variant has been identified in 2/251106 chromosomes in the general population by the Genome Aggregation Database (gnomAD). The available evidence is insufficient to determine the role of this variant in disease conclusively. Therefore, this variant is classified as a Variant of Uncertain Significance.

This study involves interpretation of variants in research participants for the purpose of population health screening. Participant phenotype was not available at the time of variant classification. Additional details can be found in publication PMID: 35346344, PMCID: PMC8962531

Color Diagnostics, LLC DBA Color Health
Classification: Uncertain significance for Familial thoracic aortic aneurysm and aortic dissection. Last evaluated: 2024-03-06. Review status: criteria provided, single submitter. Criteria: ACMG Guidelines, 2015. Collection method: clinical testing. Allele origin: germline.
Comment: This missense variant replaces proline with serine at codon 634 of the COL3A1 protein. Computational prediction suggests that this variant may not impact protein structure and function (internally defined REVEL score threshold <= 0.5, PMID: 27666373). To our knowledge, functional studies have not been reported for this variant. This variant has not been reported in individuals affected with COL3A1-related disorders in the literature. This variant has been identified in 2/251106 chromosomes in the general population by the Genome Aggregation Database (gnomAD). The available evidence is insufficient to determine the role of this variant in disease conclusively. Therefore, this variant is classified as a Variant of Uncertain Significance.

Ambry Genetics
Classification: Uncertain significance for Familial thoracic aortic aneurysm and aortic dissection. Last evaluated: 2023-05-02. Review status: criteria provided, single submitter. Criteria: Ambry Variant Classification Scheme 2023. Collection method: clinical testing. Allele origin: germline.
Comment: The p.P634S variant (also known as c.1900C>T), located in coding exon 27 of the COL3A1 gene, results from a C to T substitution at nucleotide position 1900. The proline at codon 634 is replaced by serine, an amino acid with similar properties. This amino acid position is not well conserved in available vertebrate species. In addition, this alteration is predicted to be tolerated by in silico analysis. Since supporting evidence is limited at this time, the clinical significance of this alteration remains unclear.

GeneDx
Classification: Uncertain significance. Last evaluated: 2019-05-16. Review status: criteria provided, single submitter. Criteria: GeneDx Variant Classification Process June 2021. Collection method: clinical testing. Allele origin: germline. Affected: yes.
Comment: Not observed at a significant frequency in large population cohorts (Lek et al., 2016); In silico analysis, which includes protein predictors and evolutionary conservation, supports a deleterious effect; Has not been previously published as pathogenic or benign to our knowledge

NM_000090.4(COL3A1):c.1900C>T (p.Pro634Ser)

Gene: COL3A1 (collagen type III alpha 1 chain; plus strand). Cytogenetic location: 2q32.2.
Variant type: single nucleotide variant.
Coding change: c.1900C>T on transcript NM_000090.4 (MANE Select); coding-DNA position 1900, C replaced by T.
Protein change: p.Pro634Ser; replaces proline 634 with serine.
Molecular consequence: missense variant.
Genome position (GRCh38, 1-based): chr2:188,997,730, C>T. VCF-style: chr2-188997730-C-T. GRCh37 (hg19) VCF-style: chr2-189862456-C-T.
Other names: short protein forms P634S.
Identifiers: ClinVar variation 923776 (VCV000923776.16), dbSNP rs762129273, ClinGen allele CA074813.
Genomic context (GRCh38, chr2:188,997,730, plus strand): 5'-ACAACAGAGTGTATCATTATACTTTTCTAGGGGCCTGGTGGTGACAAAGGAGACACAGGA[C>T]CCCCTGGTCCACAAGGATTACAAGTAAGAACTTGTTATTTAAATGTCACGGCATATCTGA-3'
Protein context (NP_000081.2, residues 624-644): GPGGDKGDTG[Pro634Ser]PGPQGLQGLP